The following is an entry in ClinVar:

ClinVar aggregate classification (germline): Uncertain significance (1 of 4 stars; one submission).

Conditions:
Inborn genetic diseases. Identifiers: MedGen C0950123, MeSH D030342.

Submission:

Ambry Genetics
Classification: Uncertain significance for Inborn genetic diseases. Last evaluated: 2024-02-09. Review status: criteria provided, single submitter. Criteria: Ambry Variant Classification Scheme 2023. Collection method: clinical testing. Allele origin: germline.
Comment: The c.3353G>C (p.G1118A) alteration is located in exon 13 (coding exon 13) of the IQSEC2 gene. This alteration results from a G to C substitution at nucleotide position 3353, causing the glycine (G) at amino acid position 1118 to be replaced by an alanine (A). This variant was not reported in population-based cohorts in the Genome Aggregation Database (gnomAD). This amino acid position is highly conserved in available vertebrate species. This missense alteration is located in a region that has a low rate of benign missense variation (Lek, 2016; Firth, 2009). The in silico prediction for this alteration is inconclusive. Based on insufficient or conflicting evidence, the clinical significance of this alteration remains unclear.

NM_001111125.3(IQSEC2):c.3353G>C (p.Gly1118Ala)

Gene: IQSEC2 (IQ motif and Sec7 domain ArfGEF 2; minus strand). Cytogenetic location: Xp11.22.
Variant type: single nucleotide variant.
Coding change: c.3353G>C on transcript NM_001111125.3 (MANE Select); coding-DNA position 3353, G replaced by C.
Protein change: p.Gly1118Ala; replaces glycine 1118 with alanine.
Molecular consequence: missense variant.
Genome position (GRCh38, 1-based): chrX:53,236,420, C>G on the plus strand (G>C on the coding strand, the complement: IQSEC2 is on the minus strand). VCF-style: chrX-53236420-C-G. GRCh37 (hg19) VCF-style: chrX-53265602-C-G.
Other names: c.3353G>C, p.Gly1118Ala (NM_001410736.1); c.2738G>C, p.Gly913Ala (NM_015075.2); short protein forms G1118A, G913A.
Identifiers: ClinVar variation 3110683 (VCV003110683.1), dbSNP rs2519689680, ClinGen allele CA413144871.